The following is an entry in ClinVar:

ClinVar aggregate classification (germline): Uncertain significance (1 of 4 stars; one submission).

Conditions:
PLXNA2-related disorder. Also called: PLXNA2-related condition.

Submission:

PreventionGenetics, part of Exact Sciences
Classification: Uncertain significance for PLXNA2-related condition. Last evaluated: 2023-09-12. Review status: criteria provided, single submitter. Criteria: ACMG Guidelines, 2015. Collection method: clinical testing. Allele origin: germline.
Comment: The PLXNA2 c.4171A>G variant is predicted to result in the amino acid substitution p.Met1391Val. To our knowledge, this variant has not been reported in the literature. This variant is reported in 0.00088% of alleles in individuals of European (Non-Finnish) descent in gnomAD. At this time, the clinical significance of this variant is uncertain due to the absence of conclusive functional and genetic evidence.

NM_025179.4(PLXNA2):c.4171A>G (p.Met1391Val)

Gene: PLXNA2 (plexin A2; minus strand). Cytogenetic location: 1q32.2.
Variant type: single nucleotide variant.
Coding change: c.4171A>G on transcript NM_025179.4 (MANE Select); coding-DNA position 4171, A replaced by G.
Protein change: p.Met1391Val; replaces methionine 1391 with valine.
Molecular consequence: missense variant.
Genome position (GRCh38, 1-based): chr1:208,042,213, T>C on the plus strand (A>G on the coding strand, the complement: PLXNA2 is on the minus strand). VCF-style: chr1-208042213-T-C. GRCh37 (hg19) VCF-style: chr1-208215558-T-C.
Other names: short protein forms M1391V.
Identifiers: ClinVar variation 2629246 (VCV002629246.1), dbSNP rs144005934, ClinGen allele CA344562629.
Genomic context (GRCh38, chr1:208,042,213, plus strand): 5'-CAGAGAGCAGCTGCTTGAGGACATCAGTGGCATATTCCAGGCGGCCCTGCAGGCCGGTCA[T>C]GATGAGCGAAGCCACGTTGCCCCGGTCGCGCATGGAGAAACTGCGCTGCAGCTCCAGGGT-3'
Protein context (NP_079455.3, residues 1381-1401): RDRGNVASLI[Met1391Val]TGLQGRLEYA